The following is an entry in ClinVar:

NM_014956.5(CEP164):c.3005A>T (p.Asp1002Val)

Gene: CEP164 (centrosomal protein 164; plus strand). Cytogenetic location: 11q23.3.
Variant type: single nucleotide variant.
Coding change: c.3005A>T on transcript NM_014956.5 (MANE Select); coding-DNA position 3005, A replaced by T.
Protein change: p.Asp1002Val; replaces aspartic acid 1002 with valine.
Molecular consequence: missense variant.
Genome position (GRCh38, 1-based): chr11:117,395,638, A>T. VCF-style: chr11-117395638-A-T. GRCh37 (hg19) VCF-style: chr11-117266354-A-T.
Other names: c.3014A>T, p.Asp1005Val (NM_001271933.2); short protein forms D1005V, D1002V.
Identifiers: ClinVar variation 1347684 (VCV001347684.8), dbSNP rs2136452126, ClinGen allele CA382731863.

ClinVar aggregate classification (germline): Uncertain significance (1 of 4 stars; one submission).

Conditions:
Nephronophthisis 15 (NPHP15). Identifiers: Orphanet 3156, MedGen C3541853, MONDO:0013917, OMIM 614845.

Submission:

Labcorp Genetics (formerly Invitae), Labcorp
Classification: Uncertain significance for Nephronophthisis 15. Last evaluated: 2022-07-12. Review status: criteria provided, single submitter. Criteria: Invitae Variant Classification Sherloc (09022015). Collection method: clinical testing. Allele origin: germline.
Comment: In summary, the available evidence is currently insufficient to determine the role of this variant in disease. Therefore, it has been classified as a Variant of Uncertain Significance. Algorithms developed to predict the effect of missense changes on protein structure and function (SIFT, PolyPhen-2, Align-GVGD) all suggest that this variant is likely to be disruptive. This variant has not been reported in the literature in individuals affected with CEP164-related conditions. This variant is not present in population databases (gnomAD no frequency). This sequence change replaces aspartic acid, which is acidic and polar, with valine, which is neutral and non-polar, at codon 1002 of the CEP164 protein (p.Asp1002Val).